The following is an entry in ClinVar:

NM_001199107.2(TBC1D24):c.95T>G (p.Leu32Arg)

Gene: TBC1D24 (TBC1 domain family member 24; plus strand). Cytogenetic location: 16p13.3.
Variant type: single nucleotide variant.
Coding change: c.95T>G on transcript NM_001199107.2 (MANE Select); coding-DNA position 95, T replaced by G.
Protein change: p.Leu32Arg; replaces leucine 32 with arginine.
Molecular consequence: missense variant.
Genome position (GRCh38, 1-based): chr16:2,496,243, T>G. VCF-style: chr16-2496243-T-G. GRCh37 (hg19) VCF-style: chr16-2546244-T-G.
Other names: c.95T>G, p.Leu32Arg (NM_020705.3); short protein forms L32R.
Identifiers: ClinVar variation 1307763 (VCV001307763.9), dbSNP rs2141870761, ClinGen allele CA394374502.

ClinVar aggregate classification (germline): Uncertain significance. Review status: criteria provided, multiple submitters, no conflicts (2 of 4 stars). 2 submissions from 2 submitters: Uncertain significance (2). Last evaluated 2025-02-24.

Conditions:
Developmental and epileptic encephalopathy, 1 (DEE1). Also called: X-linked infantile spasms; West's syndrome; Tonic spasms with clustering, arrest of psychomotor development and hypsarrhythmia on EEG; X-Linked Infantile Spasm Syndrome; OHTAHARA SYNDROME, X-LINKED; INFANTILE SPASM SYNDROME, X-LINKED 1. Identifiers: MedGen C3463992, MONDO:0010632, OMIM 308350. Disease mechanism: loss of function.
Autosomal dominant nonsyndromic hearing loss 65. Also called: TBC1D24-Related Autosomal Dominant Nonsyndromic Hearing Loss (DFNA); Deafness, autosomal dominant 65. Identifiers: Orphanet 90635, MedGen C3892048, MONDO:0014470, OMIM 616044.

Submissions (2):

Labcorp Genetics (formerly Invitae), Labcorp
Classification: Uncertain significance for Developmental and epileptic encephalopathy, 1; Autosomal dominant nonsyndromic hearing loss 65. Last evaluated: 2025-02-24. Review status: criteria provided, single submitter. Criteria: Invitae Variant Classification Sherloc (09022015). Collection method: clinical testing. Allele origin: germline.
Comment: This sequence change replaces leucine, which is neutral and non-polar, with arginine, which is basic and polar, at codon 32 of the TBC1D24 protein (p.Leu32Arg). This variant is not present in population databases (gnomAD no frequency). This variant has not been reported in the literature in individuals affected with TBC1D24-related conditions. ClinVar contains an entry for this variant (Variation ID: 1307763). Invitae Evidence Modeling of protein sequence and biophysical properties (such as structural, functional, and spatial information, amino acid conservation, physicochemical variation, residue mobility, and thermodynamic stability) indicates that this missense variant is not expected to disrupt TBC1D24 protein function with a negative predictive value of 80%. In summary, the available evidence is currently insufficient to determine the role of this variant in disease. Therefore, it has been classified as a Variant of Uncertain Significance.

GeneDx
Classification: Uncertain significance. Last evaluated: 2019-08-19. Review status: criteria provided, single submitter. Criteria: GeneDx Variant Classification Process June 2021. Collection method: clinical testing. Allele origin: germline. Affected: yes.
Comment: Not observed in large population cohorts (Lek et al., 2016); In silico analysis, which includes protein predictors and evolutionary conservation, supports a deleterious effect; Has not been previously published as pathogenic or benign to our knowledge